The following is an entry in ClinVar:

NM_025144.4(ALPK1):c.830C>T (p.Ser277Phe)

Gene: ALPK1 (alpha kinase 1; plus strand). Cytogenetic location: 4q25.
Variant type: single nucleotide variant.
Coding change: c.830C>T on transcript NM_025144.4 (MANE Select); coding-DNA position 830, C replaced by T.
Protein change: p.Ser277Phe; replaces serine 277 with phenylalanine.
Molecular consequence: missense variant.
Genome position (GRCh38, 1-based): chr4:112,429,183, C>T. VCF-style: chr4-112429183-C-T. GRCh37 (hg19) VCF-style: chr4-113350339-C-T.
Other names: c.830C>T, p.Ser277Phe (NM_001102406.2); c.596C>T, p.Ser199Phe (NM_001253884.2); short protein forms S199F, S277F.
Identifiers: ClinVar variation 3367191 (VCV003367191.2).

ClinVar aggregate classification (germline): Likely pathogenic (1 of 4 stars; one submission).

Conditions:
Retinal dystrophy, optic nerve edema, splenomegaly, anhidrosis, and migraine headache syndrome. Also called: Splenomegaly, cytopenia, and vision loss; Optic nerve edema-splenomegaly syndrome; ROSAH syndrome; ALPK1-Related Autoinflammatory Disease. Identifiers: Orphanet 313800, MedGen C4749914, MONDO:0013999, OMIM 614979.

Submission:

Department of Genetics, CHU d'Angers
Classification: Likely pathogenic for Retinal dystrophy, optic nerve edema, splenomegaly, anhidrosis, and migraine headache syndrome. Last evaluated: 2024-10-21. Review status: criteria provided, single submitter. Criteria: ACMG Guidelines, 2015. Collection method: clinical testing. Allele origin: inherited. Inheritance: Autosomal dominant inheritance. Affected: yes. Observed: 6 variant alleles, 6 heterozygotes.
Comment: ACMG criteria: PS3, PM2, PP3, PP1, PP4